The following is an entry in ClinVar:

ClinVar aggregate classification (germline): Likely pathogenic (1 of 4 stars; one submission).

Conditions:
Intellectual disability. Also called: Intellectual functioning disability; intellectual disabilities; Intellectual developmental disorder. Identifiers: MedGen C3714756, MeSH D008607, MONDO:0001071, HP:0001249.

Submission:

Dubai Health Genomic Medicine Center, Dubai Health
Classification: Likely pathogenic for Intellectual developmental disorder. Last evaluated: 2024-10-04. Review status: criteria provided, single submitter. Criteria: ACMG Guidelines, 2015. Collection method: research. Allele origin: germline. Affected: yes.
Comment: PVS1,PM2

NM_145886.4(PIDD1):c.1720del (p.Glu574fs)

Gene: PIDD1 (p53-induced death domain protein 1; minus strand). Cytogenetic location: 11p15.5.
Variant type: Deletion.
Coding change: c.1720del on transcript NM_145886.4 (MANE Select); coding-DNA position 1720, one base deleted (G; older notation c.1720delG).
Protein change: p.Glu574fs; shifts the reading frame from glutamic acid 574.
Molecular consequence: frameshift variant.
Genome position (GRCh38, 1-based): chr11:801,031, C deleted on the plus strand (G on the coding strand, the reverse complement: PIDD1 is on the minus strand); the first of 2 consecutive C bases (chr11:801,031-801,032); deleting either gives the same sequence. VCF-style (leftmost placement, unchanged base first): chr11-801030-TC-T. GRCh37 (hg19) VCF-style: chr11-801030-TC-T.
Other names: c.1720del, p.Glu574fs (NM_145887.4); short protein forms E574fs.
Identifiers: ClinVar variation 3383979 (VCV003383979.1).